The following is an entry in ClinVar:

ClinVar aggregate classification (germline): Uncertain significance (1 of 4 stars; one submission).

Conditions:
Peroxisome biogenesis disorder. Identifiers: Orphanet 79189, MedGen C1832200, MONDO:0019234. Disease mechanism: loss of function.

Allele frequency attached by ClinVar (database versions not stated): gnomAD exomes below 0.00001.
gnomAD v4.1: 1 of 1,614,182 alleles (0.000062%); highest among the groups gnomAD compares: Non-Finnish European, 0.000085%; no homozygotes.

Submission:

Labcorp Genetics (formerly Invitae), Labcorp
Classification: Uncertain significance for Peroxisome biogenesis disorder. Last evaluated: 2024-11-18. Review status: criteria provided, single submitter. Criteria: Invitae Variant Classification Sherloc (09022015). Collection method: clinical testing. Allele origin: germline.
Comment: This sequence change replaces arginine, which is basic and polar, with lysine, which is basic and polar, at codon 146 of the PEX16 protein (p.Arg146Lys). This variant is not present in population databases (gnomAD no frequency). This variant has not been reported in the literature in individuals affected with PEX16-related conditions. ClinVar contains an entry for this variant (Variation ID: 2135936). Invitae Evidence Modeling of protein sequence and biophysical properties (such as structural, functional, and spatial information, amino acid conservation, physicochemical variation, residue mobility, and thermodynamic stability) indicates that this missense variant is expected to disrupt PEX16 protein function with a positive predictive value of 80%. In summary, the available evidence is currently insufficient to determine the role of this variant in disease. Therefore, it has been classified as a Variant of Uncertain Significance.

NM_004813.4(PEX16):c.437G>A (p.Arg146Lys)

Gene: PEX16 (peroxisomal biogenesis factor 16; minus strand). Cytogenetic location: 11p11.2.
Variant type: single nucleotide variant.
Coding change: c.437G>A on transcript NM_004813.4 (MANE Select); coding-DNA position 437, G replaced by A.
Protein change: p.Arg146Lys; replaces arginine 146 with lysine.
Molecular consequence: missense variant.
Genome position (GRCh38, 1-based): chr11:45,915,491, C>T on the plus strand (G>A on the coding strand, the complement: PEX16 is on the minus strand). VCF-style: chr11-45915491-C-T. GRCh37 (hg19) VCF-style: chr11-45937042-C-T.
Other names: c.437G>A, p.Arg146Lys (NM_057174.3); short protein forms R146K.
Identifiers: ClinVar variation 2135936 (VCV002135936.4), dbSNP rs2494902986, ClinGen allele CA380228247.